The following is an entry in ClinVar:

NM_001009944.3(PKD1):c.4076T>C (p.Leu1359Pro)

Gene: PKD1 (polycystin 1, transient receptor potential channel interacting; minus strand). Cytogenetic location: 16p13.3.
Variant type: single nucleotide variant.
Coding change: c.4076T>C on transcript NM_001009944.3 (MANE Select); coding-DNA position 4076, T replaced by C.
Protein change: p.Leu1359Pro; replaces leucine 1359 with proline.
Molecular consequence: missense variant.
Genome position (GRCh38, 1-based): chr16:2,111,091, A>G on the plus strand (T>C on the coding strand, the complement: PKD1 is on the minus strand). VCF-style: chr16-2111091-A-G. GRCh37 (hg19) VCF-style: chr16-2161092-A-G.
Other names: c.4076T>C, p.Leu1359Pro (NM_000296.4); short protein forms L1359P.
Identifiers: ClinVar variation 3254752 (VCV003254752.6), dbSNP rs2544825186.

ClinVar aggregate classification (germline): Uncertain significance. Review status: criteria provided, multiple submitters, no conflicts (2 of 4 stars). 2 submissions from 2 submitters: Uncertain significance (2). Last evaluated 2025-02-10.

Conditions:
Polycystic kidney disease, adult type (PKD1). Also called: Polycystic Kidney Disease 1, Autosomal Dominant; Polycystic kidney disease 1; Polycystic kidney disease 1, severe; POLYCYSTIC KIDNEY DISEASE 1 WITH OR WITHOUT POLYCYSTIC LIVER DISEASE; POLYCYSTIC KIDNEY DISEASE, ADULT, TYPE I; Polycystic Kidney, Autosomal Dominant. Identifiers: MedGen C3149841, MONDO:0008263, OMIM 173900.

Submissions (2):

Victorian Clinical Genetics Services, Murdoch Childrens Research Institute
Classification: Uncertain significance for Polycystic kidney disease, adult type. Last evaluated: 2025-02-10. Review status: criteria provided, single submitter. Criteria: ACMG Guidelines, 2015. Collection method: clinical testing. Allele origin: germline. Affected: yes.
Comment: This variant is classified as VUS-3A. Evidence in support of pathogenic classification: Variant is absent from gnomAD (v2, v3 and v4). Additional information: Variant is predicted to result in a missense amino acid change from leucine to proline; This variant is heterozygous; This gene is associated with autosomal dominant disease. Polycystic kidney disease 1 (MIM#173900) is predominantly caused by monoallelic variants, with rare reports of biallelic variants causing disease (OMIM); Alternative amino acid change(s) at the same position are present in gnomAD (Highest allele count: v4: 2 heterozygote(s), 0 homozygote(s)); Previous reports of pathogenicity for this variant are conflicting. This variant has been classified as a VUS by a clinical laboratory (ClinVar), and reported in an individual with autosomal dominant polycystic kidney disease (PMID: 26150605); Segregation evidence for this variant is inconclusive. No published functional evidence has been identified for this variant; No comparable missense variants have previous evidence for pathogenicity; Variant is located in the annotated PKD domain (DECIPHER); Missense variant with inconclusive in silico prediction and uninformative conservation; Loss of function is a known mechanism of disease in this gene and is associated with polycystic kidney disease 1 (MIM#173900); Inheritance information for this variant is not currently available in this individual.

Juno Genomics, Hangzhou Juno Genomics, Inc
Classification: Uncertain significance for Polycystic kidney disease, adult type. Review status: criteria provided, single submitter. Criteria: ACMG Guidelines, 2015. Collection method: clinical testing. Allele origin: germline. Affected: yes.
Comment: Absent from controls (or at extremely low frequency if recessive) in Genome Aggregation Database, Exome Sequencing Project, 1000 Genomes Project, or Exome Aggregation Consortium.;The prevalence of the variant in affected individuals is significantly increased compared to the prevalence in controls.;Multiple lines of computational evidence support a deleterious effect on the gene or gene product (conservation, evolutionary, splicing impact, etc).;Patient's phenotype or family history is highly specific for a disease with a single genetic etiology.

Literature cited by the submitters: PubMed 26150605 (cited by Victorian Clinical Genetics Services, Murdoch Childrens Research Institute).